The following is an entry in ClinVar:

NM_001099922.3(ALG13):c.628A>C (p.Asn210His)

Gene: ALG13 (ALG13 UDP-N-acetylglucosaminyltransferase subunit; plus strand). Cytogenetic location: Xq23.
Variant type: single nucleotide variant.
Coding change: c.628A>C on transcript NM_001099922.3 (MANE Select); coding-DNA position 628, A replaced by C.
Protein change: p.Asn210His; replaces asparagine 210 with histidine.
Molecular consequence: missense variant. On other transcripts: non-coding transcript variant (1).
Genome position (GRCh38, 1-based): chrX:111,708,271, A>C. VCF-style: chrX-111708271-A-C. GRCh37 (hg19) VCF-style: chrX-110951499-A-C.
Other names: c.316A>C, p.Asn106His (NM_001257230.2, NM_001257234.2, NM_001257237.2 and 1 more transcripts); c.394A>C, p.Asn132His (NM_001257231.2); c.628A>C, p.Asn210His (NM_001324292.2); short protein forms N132H, N106H, N210H.
Identifiers: ClinVar variation 2847840 (VCV002847840.3), dbSNP rs2525564549, ClinGen allele CA414249714.

ClinVar aggregate classification (germline): Uncertain significance (1 of 4 stars; one submission).

Conditions:
Developmental and epileptic encephalopathy, 36 (DEE36). Also called: Congenital disorder of glycosylation, type Is; Epileptic encephalopathy, early infantile, 36; ALG13-CDG. Identifiers: Orphanet 324422, MedGen C4317295, MONDO:0010472, OMIM 300884.

Submission:

Labcorp Genetics (formerly Invitae), Labcorp
Classification: Uncertain significance for Developmental and epileptic encephalopathy, 36. Last evaluated: 2023-03-20. Review status: criteria provided, single submitter. Criteria: Invitae Variant Classification Sherloc (09022015). Collection method: clinical testing. Allele origin: germline.
Comment: In summary, the available evidence is currently insufficient to determine the role of this variant in disease. Therefore, it has been classified as a Variant of Uncertain Significance. Advanced modeling of protein sequence and biophysical properties (such as structural, functional, and spatial information, amino acid conservation, physicochemical variation, residue mobility, and thermodynamic stability) performed at Invitae indicates that this missense variant is not expected to disrupt ALG13 protein function. This variant has not been reported in the literature in individuals affected with ALG13-related conditions. This variant is not present in population databases (gnomAD no frequency). This sequence change replaces asparagine, which is neutral and polar, with histidine, which is basic and polar, at codon 210 of the ALG13 protein (p.Asn210His).